The following is an entry in ClinVar:

ClinVar aggregate classification (germline): Uncertain significance (1 of 4 stars; one submission).

gnomAD v4.1: 302 of 1,613,034 alleles (0.019%); highest among the groups gnomAD compares: Non-Finnish European, 0.023%; no homozygotes.

Submission:

Labcorp Genetics (formerly Invitae), Labcorp
Classification: Uncertain significance. Last evaluated: 2023-01-30. Review status: criteria provided, single submitter. Criteria: Invitae Variant Classification Sherloc (09022015). Collection method: clinical testing. Allele origin: germline.
Comment: In summary, the available evidence is currently insufficient to determine the role of this variant in disease. Therefore, it has been classified as a Variant of Uncertain Significance. Algorithms developed to predict the effect of missense changes on protein structure and function (SIFT, PolyPhen-2, Align-GVGD) all suggest that this variant is likely to be tolerated. This variant has not been reported in the literature in individuals affected with TBC1D32-related conditions. This variant is present in population databases (rs200421884, gnomAD 0.02%). This sequence change replaces glycine, which is neutral and non-polar, with aspartic acid, which is acidic and polar, at codon 742 of the TBC1D32 protein (p.Gly742Asp).

NM_152730.6(TBC1D32):c.2225G>A (p.Gly742Asp)

Gene: TBC1D32 (TBC1 domain family member 32; minus strand). Cytogenetic location: 6q22.31.
Variant type: single nucleotide variant.
Coding change: c.2225G>A on transcript NM_152730.6 (MANE Select); coding-DNA position 2225, G replaced by A.
Protein change: p.Gly742Asp; replaces glycine 742 with aspartic acid.
Molecular consequence: missense variant. On other transcripts: non-coding transcript variant (1).
Genome position (GRCh38, 1-based): chr6:121,241,485, C>T on the plus strand (G>A on the coding strand, the complement: TBC1D32 is on the minus strand). VCF-style: chr6-121241485-C-T. GRCh37 (hg19) VCF-style: chr6-121562631-C-T.
Other names: c.2225G>A, p.Gly742Asp (NM_001367759.1, NM_001367760.1); short protein forms G742D.
Identifiers: ClinVar variation 2713241 (VCV002713241.3), dbSNP rs200421884, ClinGen allele CA3980911.